The following is an entry in ClinVar:

ClinVar aggregate classification (germline): Likely benign. Review status: criteria provided, multiple submitters, no conflicts (2 of 4 stars). 3 submissions from 3 submitters: Likely benign (3). Last evaluated 2024-09-15.

Conditions:
Developmental and epileptic encephalopathy, 27 (DEE27). Also called: GRIN2B-Related Neurodevelopmental Disorder; Epileptic encephalopathy, early infantile, 27. Identifiers: Orphanet 3451, MedGen C4015316, MONDO:0014505, OMIM 616139.
Intellectual developmental disorder, autosomal dominant 6, with or without seizures. Also called: GRIN2B-related developmental delay, intellectual disability and autism spectrum disorder; Intellectual disability, autosomal dominant 6. Identifiers: Orphanet 589547, MedGen C3151411, MONDO:0013509, OMIM 613970.

Allele frequency attached by ClinVar (database versions not stated): gnomAD exomes below 0.00001.
gnomAD v4.1: 1 of 1,614,184 alleles (0.000062%); highest among the groups gnomAD compares: Non-Finnish European, 0.000085%; no homozygotes.

Submissions (3):

Labcorp Genetics (formerly Invitae), Labcorp
Classification: Likely benign for Developmental and epileptic encephalopathy, 27; Intellectual developmental disorder, autosomal dominant 6, with or without seizures. Last evaluated: 2024-09-15. Review status: criteria provided, single submitter. Criteria: Invitae Variant Classification Sherloc (09022015). Collection method: clinical testing. Allele origin: germline.

CeGaT Center for Human Genetics Tuebingen
Classification: Likely benign. Last evaluated: 2022-07-01. Review status: criteria provided, single submitter. Criteria: CeGaT Center For Human Genetics Tuebingen Variant Classification Criteria Version 2. Collection method: clinical testing. Allele origin: germline. Affected: yes. Observed: 1 variant allele.
Comment: GRIN2B: PM2:Supporting, BP4, BP7

GeneDx
Classification: Likely benign. Last evaluated: 2017-11-15. Review status: criteria provided, single submitter. Criteria: GeneDx Variant Classification (06012015). Collection method: clinical testing. Allele origin: germline. Affected: yes.
Comment: This variant is considered likely benign or benign based on one or more of the following criteria: it is a conservative change, it occurs at a poorly conserved position in the protein, it is predicted to be benign by multiple in silico algorithms, and/or has population frequency not consistent with disease.

NM_000834.5(GRIN2B):c.3819G>A (p.Thr1273=)

Gene: GRIN2B (glutamate ionotropic receptor NMDA type subunit 2B; minus strand). Cytogenetic location: 12p13.1.
Variant type: single nucleotide variant.
Coding change: c.3819G>A on transcript NM_000834.5 (MANE Select); coding-DNA position 3819, G replaced by A.
Protein change: p.Thr1273=; no amino-acid change (threonine 1273 retained).
Molecular consequence: synonymous variant.
Genome position (GRCh38, 1-based): chr12:13,563,419, C>T on the plus strand (G>A on the coding strand, the complement: GRIN2B is on the minus strand). VCF-style: chr12-13563419-C-T. GRCh37 (hg19) VCF-style: chr12-13716353-C-T.
Identifiers: ClinVar variation 513366 (VCV000513366.37), dbSNP rs1555101910, ClinGen allele CA478848019.